The following is an entry in ClinVar:

ClinVar aggregate classification (germline): Uncertain significance (1 of 4 stars; one submission).

Allele frequency attached by ClinVar (database versions not stated): gnomAD 0.00007; ExAC 0.00008; 1000 Genomes Project 30x 0.00016; ESP Exome Variant Server 0.00016; 1000 Genomes Project 0.00020.

Submission:

Labcorp Genetics (formerly Invitae), Labcorp
Classification: Uncertain significance. Last evaluated: 2024-11-18. Review status: criteria provided, single submitter. Criteria: Invitae Variant Classification Sherloc (09022015). Collection method: clinical testing. Allele origin: germline.
Comment: This sequence change replaces alanine, which is neutral and non-polar, with threonine, which is neutral and polar, at codon 2412 of the ACAN protein (p.Ala2412Thr). This variant is present in population databases (rs192568553, gnomAD 0.01%). This variant has not been reported in the literature in individuals affected with ACAN-related conditions. ClinVar contains an entry for this variant (Variation ID: 2162646). An algorithm developed to predict the effect of missense changes on protein structure and function outputs the following: PolyPhen-2: "Benign". The threonine amino acid residue is found in multiple mammalian species, which suggests that this missense change does not adversely affect protein function. In summary, the available evidence is currently insufficient to determine the role of this variant in disease. Therefore, it has been classified as a Variant of Uncertain Significance.

NM_001369268.1(ACAN):c.7348G>A (p.Ala2450Thr)

Gene: ACAN (aggrecan; plus strand). Cytogenetic location: 15q26.1.
Variant type: single nucleotide variant.
Coding change: c.7348G>A on transcript NM_001369268.1 (MANE Select); coding-DNA position 7348, G replaced by A.
Protein change: p.Ala2450Thr; replaces alanine 2450 with threonine.
Molecular consequence: missense variant.
Genome position (GRCh38, 1-based): chr15:88,872,926, G>A. VCF-style: chr15-88872926-G-A. GRCh37 (hg19) VCF-style: chr15-89416157-G-A.
Other names: c.7120G>A, p.Ala2374Thr (NM_001135.4, NM_001411096.1); c.7234G>A, p.Ala2412Thr (NM_001411097.1, NM_013227.4); short protein forms A2412T, A2374T, A2450T.
Identifiers: ClinVar variation 2162646 (VCV002162646.3), dbSNP rs192568553, ClinGen allele CA7720663.